The following is an entry in ClinVar:

NM_001042492.3(NF1):c.7384del (p.Leu2462fs)

Gene: NF1 (neurofibromin 1; plus strand). Cytogenetic location: 17q11.2.
Variant type: Deletion.
Coding change: c.7384del on transcript NM_001042492.3 (MANE Select); coding-DNA position 7384, one base deleted (C; older notation c.7384delC).
Protein change: p.Leu2462fs; shifts the reading frame from leucine 2462.
Molecular consequence: frameshift variant.
Genome position (GRCh38, 1-based): chr17:31,350,245, C deleted. VCF-style (leftmost placement, unchanged base first): chr17-31350244-TC-T. GRCh37 (hg19) VCF-style: chr17-29677262-TC-T.
Other names: c.7321delC, p.Leu2441Phefs (NM_000267.4); short protein forms L2441fs, L2462fs.
Identifiers: ClinVar variation 3572042 (VCV003572042.1).
Genomic context (GRCh38, chr17:31,350,244, plus strand): 5'-TTTACTTACAGTGTCTGAAGAAGTTCGAAGTCGCTGCAGCCTAAAACATAGAAAGTCACT[TC>T]TTCTTACTGATATTTCAATGGAAAATGTTCCTATGGATACATATCCCATTCATCATGGTG-3'

ClinVar aggregate classification (germline): Likely pathogenic (1 of 4 stars; one submission).

Submission:

Quest Diagnostics Nichols Institute San Juan Capistrano
Classification: Likely pathogenic. Last evaluated: 2023-12-19. Review status: criteria provided, single submitter. Criteria: Quest Diagnostics criteria. Collection method: clinical testing. Allele origin: unknown.
Comment: The NF1 c.7321del (p.Leu2441Phefs*27) variant alters the translational reading frame of the NF1 mRNA and is predicted to cause the premature termination of NF1 protein synthesis. This variant has not been reported in individuals with NF1-related conditions in the published literature. This variant has not been reported in large, multi-ethnic general populations (Genome Aggregation Database). Based on the available information, this variant is classified as likely pathogenic